The following is an entry in ClinVar:

ClinVar aggregate classification (germline): Uncertain significance (1 of 4 stars; one submission).

Submission:

Labcorp Genetics (formerly Invitae), Labcorp
Classification: Uncertain significance. Last evaluated: 2022-05-06. Review status: criteria provided, single submitter. Criteria: Invitae Variant Classification Sherloc (09022015). Collection method: clinical testing. Allele origin: germline.
Comment: This sequence change replaces valine, which is neutral and non-polar, with leucine, which is neutral and non-polar, at codon 245 of the SNRNP200 protein (p.Val245Leu). In summary, the available evidence is currently insufficient to determine the role of this variant in disease. Therefore, it has been classified as a Variant of Uncertain Significance. Algorithms developed to predict the effect of missense changes on protein structure and function (SIFT, PolyPhen-2, Align-GVGD) all suggest that this variant is likely to be tolerated. This variant has not been reported in the literature in individuals affected with SNRNP200-related conditions. This variant is not present in population databases (gnomAD no frequency).

NM_014014.5(SNRNP200):c.733G>C (p.Val245Leu)

Gene: SNRNP200 (small nuclear ribonucleoprotein U5 subunit 200; minus strand). Cytogenetic location: 2q11.2.
Variant type: single nucleotide variant.
Coding change: c.733G>C on transcript NM_014014.5 (MANE Select); coding-DNA position 733, G replaced by C.
Protein change: p.Val245Leu; replaces valine 245 with leucine.
Molecular consequence: missense variant.
Genome position (GRCh38, 1-based): chr2:96,298,964, C>G on the plus strand (G>C on the coding strand, the complement: SNRNP200 is on the minus strand). VCF-style: chr2-96298964-C-G. GRCh37 (hg19) VCF-style: chr2-96964702-C-G.
Other names: short protein forms V245L.
Identifiers: ClinVar variation 2134629 (VCV002134629.4), dbSNP rs1462267105, ClinGen allele CA347685597.